The following is an entry in ClinVar:

ClinVar aggregate classification (germline): Conflicting classifications of pathogenicity. Review status: criteria provided, conflicting classifications (1 of 4 stars). 6 submissions from 6 submitters: Uncertain significance (2); Benign (1); Likely benign (2). 1 of the submissions does not count toward it. Last evaluated 2025-12-19.

Conditions:
Progressive familial intrahepatic cholestasis type 1. Also called: BYLER DISEASE; Severe ATP8B1 Deficiency (Progressive Familial Intrahepatic Cholestasis Type 1 [PFIC1]); Byler's disease. Identifiers: Orphanet 79306, MedGen C4551898, MONDO:0008892, OMIM 211600.
ATP8B1-related disorder. Also called: ATP8B1-related disorders; ATP8B1-related condition.

Allele frequency attached by ClinVar (database versions not stated): TOPMed 0.00012; gnomAD exomes 0.00042 and 0.00071; 1000 Genomes Project 30x 0.00047; ExAC 0.00048; 1000 Genomes Project 0.00060; gnomAD 0.00073 and 0.00077.
gnomAD v4.1: 708 of 1,613,936 alleles (0.044%); highest among the groups gnomAD compares: Non-Finnish European, 0.023%; 7 homozygotes.

Submissions (6):

Labcorp Genetics (formerly Invitae), Labcorp
Classification: Benign. Last evaluated: 2025-12-19. Review status: criteria provided, single submitter. Criteria: Invitae Variant Classification Sherloc (09022015). Collection method: clinical testing. Allele origin: germline.

Blueprint Genetics
Classification: Likely benign. Last evaluated: 2024-02-22. Review status: criteria provided, single submitter. Criteria: ACMG Guidelines, 2015. Collection method: clinical testing. Allele origin: germline.

Mayo Clinic Laboratories, Mayo Clinic
Classification: Uncertain significance. Last evaluated: 2022-04-21. Review status: criteria provided, single submitter. Criteria: ACMG Guidelines, 2015. Collection method: clinical testing. Allele origin: germline. Observed: 1 variant allele.
Comment: BS1, PP3

Eurofins Ntd Llc (ga)
Classification: Likely benign. Last evaluated: 2018-05-04. Review status: criteria provided, single submitter. Criteria: EGL ClinVar v180209 classification definitions. Collection method: clinical testing. Allele origin: germline. Observed: 1 variant allele, 1 heterozygote.

Illumina Laboratory Services, Illumina
Classification: Uncertain significance for Progressive familial intrahepatic cholestasis type 1. Last evaluated: 2018-01-13. Review status: criteria provided, single submitter. Criteria: ICSL Variant Classification Criteria 13 December 2019. Collection method: clinical testing. Allele origin: germline.

PreventionGenetics, part of Exact Sciences
Classification: Likely benign for ATP8B1-related condition. Last evaluated: 2022-09-08. Review status: no assertion criteria provided. Collection method: clinical testing. Allele origin: germline. Not counted in ClinVar's aggregate classification.
Comment: This variant is classified as likely benign based on ACMG/AMP sequence variant interpretation guidelines (Richards et al. 2015 PMID: 25741868, with internal and published modifications).

NM_001374385.1(ATP8B1):c.1072G>A (p.Gly358Ser)

Gene: ATP8B1 (ATPase phospholipid transporting 8B1; minus strand). Cytogenetic location: 18q21.31.
Variant type: single nucleotide variant.
Coding change: c.1072G>A on transcript NM_001374385.1 (MANE Select); coding-DNA position 1072, G replaced by A.
Protein change: p.Gly358Ser; replaces glycine 358 with serine.
Molecular consequence: missense variant.
Genome position (GRCh38, 1-based): chr18:57,691,955, C>T on the plus strand (G>A on the coding strand, the complement: ATP8B1 is on the minus strand). VCF-style: chr18-57691955-C-T. GRCh37 (hg19) VCF-style: chr18-55359187-C-T.
Other names: p.Gly358Ser; c.922G>A, p.Gly308Ser (NM_001374386.1); c.1072G>A, p.Gly358Ser (NM_005603.6); short protein forms G358S, G308S.
Identifiers: ClinVar variation 327489 (VCV000327489.19), dbSNP rs193204986, ClinGen allele CA8974657.